The following is an entry in ClinVar:

ClinVar aggregate classification (germline): Uncertain significance (1 of 4 stars; one submission).

Conditions:
Primary ciliary dyskinesia. Also called: Ciliary dyskinesia. Identifiers: Orphanet 244, MedGen C0008780, MONDO:0016575, HP:0012265.

Allele frequency attached by ClinVar (database versions not stated): gnomAD exomes below 0.00001; TOPMed below 0.00001; gnomAD 0.00001.
gnomAD v4.1: 3 of 1,584,154 alleles (0.00019%); highest among the groups gnomAD compares: Non-Finnish European, 0.00026%; no homozygotes.

Submission:

Labcorp Genetics (formerly Invitae), Labcorp
Classification: Uncertain significance for Primary ciliary dyskinesia. Last evaluated: 2020-09-23. Review status: criteria provided, single submitter. Criteria: Invitae Variant Classification Sherloc (09022015). Collection method: clinical testing. Allele origin: germline.
Comment: In summary, the available evidence is currently insufficient to determine the role of this variant in disease. Therefore, it has been classified as a Variant of Uncertain Significance. Algorithms developed to predict the effect of missense changes on protein structure and function are either unavailable or do not agree on the potential impact of this missense change (SIFT: "Deleterious"; PolyPhen-2: "Not Available"; Align-GVGD: "Class C0"). This variant has not been reported in the literature in individuals with DNAH8-related conditions. This variant is not present in population databases (ExAC no frequency). This sequence change replaces alanine with serine at codon 1363 of the DNAH8 protein (p.Ala1363Ser). The alanine residue is highly conserved and there is a moderate physicochemical difference between alanine and serine.

NM_001206927.2(DNAH8):c.4087G>T (p.Ala1363Ser)

Gene: DNAH8 (dynein axonemal heavy chain 8; plus strand). Cytogenetic location: 6p21.2.
Variant type: single nucleotide variant.
Coding change: c.4087G>T on transcript NM_001206927.2 (MANE Select); coding-DNA position 4087, G replaced by T.
Protein change: p.Ala1363Ser; replaces alanine 1363 with serine.
Molecular consequence: missense variant.
Genome position (GRCh38, 1-based): chr6:38,828,187, G>T. VCF-style: chr6-38828187-G-T. GRCh37 (hg19) VCF-style: chr6-38795963-G-T.
Other names: c.3436G>T, p.Ala1146Ser (NM_001371.4); short protein forms A1146S, A1363S.
Identifiers: ClinVar variation 1006363 (VCV001006363.9), dbSNP rs201887726, ClinGen allele CA137557966.